The following is an entry in ClinVar:

NM_000165.5(GJA1):c.1142A>C (p.Glu381Ala)

Gene: GJA1 (gap junction protein alpha 1; plus strand). Cytogenetic location: 6q22.31.
Variant type: single nucleotide variant.
Coding change: c.1142A>C on transcript NM_000165.5 (MANE Select); coding-DNA position 1142, A replaced by C.
Protein change: p.Glu381Ala; replaces glutamic acid 381 with alanine.
Molecular consequence: missense variant.
Genome position (GRCh38, 1-based): chr6:121,447,989, A>C. VCF-style: chr6-121447989-A-C. GRCh37 (hg19) VCF-style: chr6-121769135-A-C.
Other names: short protein forms E381A.
Identifiers: ClinVar variation 2636857 (VCV002636857.1), dbSNP rs1388944520, ClinGen allele CA365561266.
Genomic context (GRCh38, chr6:121,447,989, plus strand): 5'-AGCGACCTTCAAGCAGAGCCAGCAGTCGTGCCAGCAGCAGACCTCGGCCTGATGACCTGG[A>C]GATCTAGATACAGGCTTGAAAGCATCAAGATTCCACTCAATTGTGGAGAAGAAAAAAGGT-3'
Protein context (NP_000156.1, residues 371-382): ASSRPRPDDL[Glu381Ala]I

ClinVar aggregate classification (germline): Uncertain significance (1 of 4 stars; one submission).

Conditions:
GJA1-related disorder. Also called: GJA1-related condition.

Allele frequency attached by ClinVar (database versions not stated): gnomAD exomes below 0.00001; gnomAD 0.00003; TOPMed 0.00003.
gnomAD v4.1: 6 of 1,611,274 alleles (0.00037%); highest among the groups gnomAD compares: African/African-American, 0.008%; no homozygotes.

Submission:

PreventionGenetics, part of Exact Sciences
Classification: Uncertain significance for GJA1-related condition. Last evaluated: 2023-04-07. Review status: criteria provided, single submitter. Criteria: ACMG Guidelines, 2015. Collection method: clinical testing. Allele origin: germline.
Comment: The GJA1 c.1142A>C variant is predicted to result in the amino acid substitution p.Glu381Ala. To our knowledge, this variant has not been reported in the literature. This variant is reported in 0.023% of alleles in individuals of African descent in gnomAD. At this time, the clinical significance of this variant is uncertain due to the absence of conclusive functional and genetic evidence.